The following is an entry in ClinVar:

ClinVar aggregate classification (germline): Uncertain significance (1 of 4 stars; one submission).

Conditions:
Developmental and epileptic encephalopathy, 37 (DEE37). Also called: Epileptic encephalopathy, early infantile, 37. Identifiers: MedGen C4310770, MONDO:0014859, OMIM 616981.

Allele frequency attached by ClinVar (database versions not stated): gnomAD 0.00001; gnomAD exomes 0.00001.
gnomAD v4.1: 5 of 1,613,934 alleles (0.00031%); highest among the groups gnomAD compares: Admixed American, 0.0083%; no homozygotes.

Submission:

Labcorp Genetics (formerly Invitae), Labcorp
Classification: Uncertain significance for Developmental and epileptic encephalopathy, 37. Last evaluated: 2022-10-13. Review status: criteria provided, single submitter. Criteria: Invitae Variant Classification Sherloc (09022015). Collection method: clinical testing. Allele origin: germline.
Comment: Algorithms developed to predict the effect of missense changes on protein structure and function are either unavailable or do not agree on the potential impact of this missense change (SIFT: "Deleterious"; PolyPhen-2: "Possibly Damaging"; Align-GVGD: "Class C0"). ClinVar contains an entry for this variant (Variation ID: 476308). This variant has not been reported in the literature in individuals affected with FRRS1L-related conditions. This variant is present in population databases (no rsID available, gnomAD 0.006%). This sequence change replaces glutamine, which is neutral and polar, with histidine, which is basic and polar, at codon 287 of the FRRS1L protein (p.Gln287His). In summary, the available evidence is currently insufficient to determine the role of this variant in disease. Therefore, it has been classified as a Variant of Uncertain Significance.

NM_014334.4(FRRS1L):c.708G>T (p.Gln236His)

Gene: FRRS1L (ferric chelate reductase 1 like; minus strand). Cytogenetic location: 9q31.3.
Variant type: single nucleotide variant.
Coding change: c.708G>T on transcript NM_014334.4 (MANE Select); coding-DNA position 708, G replaced by T.
Protein change: p.Gln236His; replaces glutamine 236 with histidine.
Molecular consequence: missense variant.
Genome position (GRCh38, 1-based): chr9:109,141,344, C>A on the plus strand (G>T on the coding strand, the complement: FRRS1L is on the minus strand). VCF-style: chr9-109141344-C-A. GRCh37 (hg19) VCF-style: chr9-111903624-C-A.
Other names: short protein forms Q236H.
Identifiers: ClinVar variation 476308 (VCV000476308.7), dbSNP rs1381027576, ClinGen allele CA374423741.
Genomic context (GRCh38, chr9:109,141,344, plus strand): 5'-AATGAACACAAGCACAGTGGTGTCTGGCGTTTAATCCAGATGCTGAAATGTAAGCTTACC[C>A]TGAATGGCTGGACCCCAAGCAAACAGATAATACCAACTCAAATGCAGATCAACAATTGTT-3'
Protein context (NP_055149.3, residues 226-246): YYLFAWGPAI[Gln236His]GSITRHDIDS